The following is an entry in ClinVar:

ClinVar aggregate classification (germline): Uncertain significance (1 of 4 stars; one submission).

Conditions:
Coffin-Siris syndrome 1 (CSS1). Also called: Mental retardation, autosomal dominant 12; ARID1B-Related Coffin-Siris Syndrome. Identifiers: Orphanet 1465, MedGen C3281201, MONDO:0007617, OMIM 135900. Disease mechanism: gain of function.

Allele frequency attached by ClinVar (database versions not stated): gnomAD exomes below 0.00001; gnomAD 0.00001; TOPMed 0.00001.
gnomAD v4.1: 3 of 1,613,998 alleles (0.00019%); highest among the groups gnomAD compares: African/African-American, 0.004%; no homozygotes.

Submission:

Department of Human Genetics, Hannover Medical School
Classification: Uncertain significance for Coffin-Siris syndrome 1. Last evaluated: 2022-11-03. Review status: criteria provided, single submitter. Criteria: ACMG Guidelines, 2015. Collection method: clinical testing. Allele origin: germline. Affected: yes.
Comment: This missense variant alters an evolutionarily moderately conserved amino acid. There is little physicochemical difference between the original (serine) and the newly formed amino acid (glycine). An in silico analysis regarding the clinical relevance of the change did not yield a clear result. In the databases ClinVar and LOVD as well as in the literature the variant is not known so far. In the population database gnomAD it is listed only once heterozygous (allele frequency in the normal population: total 0.003%, AFR 0.011%). There are currently too few data available for a conclusive assessment with regard to clinical relevance.

NM_001374828.1(ARID1B):c.4738A>G (p.Ser1580Gly)

Gene: ARID1B (AT-rich interaction domain 1B; plus strand). Cytogenetic location: 6q25.3.
Variant type: single nucleotide variant.
Coding change: c.4738A>G on transcript NM_001374828.1 (MANE Select); coding-DNA position 4738, A replaced by G.
Protein change: p.Ser1580Gly; replaces serine 1580 with glycine.
Molecular consequence: missense variant.
Genome position (GRCh38, 1-based): chr6:157,200,963, A>G. VCF-style: chr6-157200963-A-G. GRCh37 (hg19) VCF-style: chr6-157522097-A-G.
Other names: c.4489A>G, p.Ser1497Gly (NM_001346813.1); c.2239A>G, p.Ser747Gly (NM_001363725.2); c.4618A>G, p.Ser1540Gly (NM_001371656.1, NM_001374820.1); c.4579A>G, p.Ser1527Gly (NM_017519.3); c.4369A>G, p.Ser1457Gly (NM_020732.3); c.4156A>G, p.Ser1386Gly (NM_175863.2); short protein forms S1386G, S1457G, S1497G, S1527G, S1540G, S1580G, S747G.
Identifiers: ClinVar variation 1713193 (VCV001713193.1), dbSNP rs1464031481, ClinGen allele CA366241318.
Genomic context (GRCh38, chr6:157,200,963, plus strand): 5'-CAGATCCAGACACACGGAATCCCGCCTCAGATGATGGGCGGCCCGCTGCAGTCGTCCTCC[A>G]GTGAGGGGCCTCAGCAGAATATGTGGGCAGCACGCAATGATATGCCTTATCCCTACCAGA-3'
Protein context (NP_001361757.1, residues 1570-1590): MMGGPLQSSS[Ser1580Gly]EGPQQNMWAA